The following is an entry in ClinVar:

NM_001378024.1(ARHGAP32):c.3794C>T (p.Ser1265Phe)

Gene: ARHGAP32 (Rho GTPase activating protein 32; minus strand). Cytogenetic location: 11q24.3.
Variant type: single nucleotide variant.
Coding change: c.3794C>T on transcript NM_001378024.1 (MANE Select); coding-DNA position 3794, C replaced by T.
Protein change: p.Ser1265Phe; replaces serine 1265 with phenylalanine.
Molecular consequence: missense variant.
Genome position (GRCh38, 1-based): chr11:128,972,712, G>A on the plus strand (C>T on the coding strand, the complement: ARHGAP32 is on the minus strand). VCF-style: chr11-128972712-G-A. GRCh37 (hg19) VCF-style: chr11-128842607-G-A.
Other names: c.3752C>T, p.Ser1251Phe (NM_001142685.2); c.3632C>T, p.Ser1211Phe (NM_001378025.1); c.2705C>T, p.Ser902Phe (NM_014715.4); short protein forms S1251F, S902F, S1211F, S1265F.
Identifiers: ClinVar variation 776678 (VCV000776678.7), dbSNP rs116064946, ClinGen allele CA6358710.
Genomic context (GRCh38, chr11:128,972,712, plus strand): 5'-GCTGTTGCTGGAGTAGTTGTCATGTAAGTCATGGTGGCTGTGCTGGTATTCTCTTCGGGG[G>A]ACCCAGAAGGAGGGTAGATTTTATCGCTAGGTAAATTAGGAGGTGTGGGAGATTTGTCTG-3'
Protein context (NP_001364953.1, residues 1255-1275): PSDKIYPPSG[Ser1265Phe]PEENTSTATM

ClinVar aggregate classification (germline): Benign. Review status: criteria provided, multiple submitters, no conflicts (2 of 4 stars). 3 submissions from 3 submitters: Benign (2). 1 of the submissions does not count toward it. Last evaluated 2019-12-31.

Conditions:
ARHGAP32-related disorder. Also called: ARHGAP32-related condition.

Allele frequency attached by ClinVar (database versions not stated): gnomAD exomes 0.00108 and 0.00302; ExAC 0.00372; gnomAD 0.01072 and 0.01152; TOPMed 0.01231; ESP Exome Variant Server 0.01393; 1000 Genomes Project 0.01438; 1000 Genomes Project 30x 0.01640.
gnomAD v4.1: 3,253 of 1,614,004 alleles (0.2%); highest among the groups gnomAD compares: African/African-American, 3.7%; 52 homozygotes.

Submissions (3):

Labcorp Genetics (formerly Invitae), Labcorp
Classification: Benign. Last evaluated: 2019-12-31. Review status: criteria provided, single submitter. Criteria: Invitae Variant Classification Sherloc (09022015). Collection method: clinical testing. Allele origin: germline.

Breakthrough Genomics
Classification: Benign. Review status: criteria provided, single submitter. Criteria: ACMG Guidelines, 2015. Collection method: not provided. Allele origin: germline. Inheritance: Unknown mechanism. Affected: yes.

PreventionGenetics, part of Exact Sciences
Classification: Benign for ARHGAP32-related condition. Last evaluated: 2019-02-19. Review status: no assertion criteria provided. Collection method: clinical testing. Allele origin: germline. Not counted in ClinVar's aggregate classification.
Comment: This variant is classified as benign based on ACMG/AMP sequence variant interpretation guidelines (Richards et al. 2015 PMID: 25741868, with internal and published modifications).